The following is an entry in ClinVar:

ClinVar aggregate classification (germline): Uncertain significance (1 of 4 stars; one submission).

Allele frequency attached by ClinVar (database versions not stated): ExAC 0.00001; TOPMed 0.00003.
gnomAD v4.1: 7 of 1,613,394 alleles (0.00043%); highest among the groups gnomAD compares: East Asian, 0.0022%; no homozygotes.

Submission:

Labcorp Genetics (formerly Invitae), Labcorp
Classification: Uncertain significance. Last evaluated: 2022-08-01. Review status: criteria provided, single submitter. Criteria: Invitae Variant Classification Sherloc (09022015). Collection method: clinical testing. Allele origin: germline.
Comment: In summary, the available evidence is currently insufficient to determine the role of this variant in disease. Therefore, it has been classified as a Variant of Uncertain Significance. Algorithms developed to predict the effect of missense changes on protein structure and function are either unavailable or do not agree on the potential impact of this missense change (SIFT: "Deleterious"; PolyPhen-2: "Not Available"; Align-GVGD: "Class C0"). This variant has not been reported in the literature in individuals affected with PCLO-related conditions. This variant is present in population databases (rs775671419, gnomAD 0.003%). This sequence change replaces aspartic acid, which is acidic and polar, with asparagine, which is neutral and polar, at codon 4051 of the PCLO protein (p.Asp4051Asn).

NM_033026.6(PCLO):c.12151G>A (p.Asp4051Asn)

Gene: PCLO (piccolo presynaptic cytomatrix protein; minus strand). Cytogenetic location: 7q21.11.
Variant type: single nucleotide variant.
Coding change: c.12151G>A on transcript NM_033026.6 (MANE Select); coding-DNA position 12151, G replaced by A.
Protein change: p.Asp4051Asn; replaces aspartic acid 4051 with asparagine.
Molecular consequence: missense variant.
Genome position (GRCh38, 1-based): chr7:82,915,835, C>T on the plus strand (G>A on the coding strand, the complement: PCLO is on the minus strand). VCF-style: chr7-82915835-C-T. GRCh37 (hg19) VCF-style: chr7-82545151-C-T.
Other names: c.12151G>A, p.Asp4051Asn (NM_014510.3); short protein forms D4051N.
Identifiers: ClinVar variation 1928943 (VCV001928943.3), dbSNP rs775671419, ClinGen allele CA4319431.
Genomic context (GRCh38, chr7:82,915,835, plus strand): 5'-TTTCATGAAGGCTAAATGCGGTGCTTAATGCCGCTGTTCCTTTGGTGATCTCTCCAATGT[C>T]GTCAATTAGGACATAATTTCGTGGAGTATGGTGATCAATATCTGCATAGAAAGAATCTGC-3'
Protein context (NP_149015.2, residues 4041-4061): HTPRNYVLID[Asp4051Asn]IGEITKGTAA